The following is an entry in ClinVar:

NM_000246.4(CIITA):c.2507T>C (p.Leu836Pro)

Gene: CIITA (class II major histocompatibility complex transactivator; plus strand). Cytogenetic location: 16p13.13.
Variant type: single nucleotide variant.
Coding change: c.2507T>C on transcript NM_000246.4 (MANE Select); coding-DNA position 2507, T replaced by C.
Protein change: p.Leu836Pro; replaces leucine 836 with proline.
Molecular consequence: missense variant. On other transcripts: intron variant (1).
Genome position (GRCh38, 1-based): chr16:10,907,999, T>C. VCF-style: chr16-10907999-T-C. GRCh37 (hg19) VCF-style: chr16-11001856-T-C.
Other names: c.2510T>C, p.Leu837Pro (NM_001286402.1, NM_001379332.1); c.2363T>C, p.Leu788Pro (NM_001379330.1); c.2360T>C, p.Leu787Pro (NM_001379331.1); c.2507T>C, p.Leu836Pro (NM_001379333.1); c.2438T>C, p.Leu813Pro (NM_001379334.1); c.860-984T>C (NM_001286403.2); short protein forms L787P, L788P, L813P, L837P, L836P.
Identifiers: ClinVar variation 2118535 (VCV002118535.4), dbSNP rs1300615795, ClinGen allele CA394733768.

ClinVar aggregate classification (germline): Uncertain significance (1 of 4 stars; one submission).

Conditions:
MHC class II deficiency. Also called: Bare lymphocyte syndrome 2; BLS, TYPE II. Identifiers: Orphanet 572, MedGen C5447452, MONDO:0008855.

Allele frequency attached by ClinVar (database versions not stated): TOPMed below 0.00001; gnomAD 0.00001; gnomAD exomes 0.00001.
gnomAD v4.1: 5 of 1,594,486 alleles (0.00031%); highest among the groups gnomAD compares: Non-Finnish European, 0.00043%; no homozygotes.

Submission:

Labcorp Genetics (formerly Invitae), Labcorp
Classification: Uncertain significance for MHC class II deficiency. Last evaluated: 2022-05-07. Review status: criteria provided, single submitter. Criteria: Invitae Variant Classification Sherloc (09022015). Collection method: clinical testing. Allele origin: germline.
Comment: In summary, the available evidence is currently insufficient to determine the role of this variant in disease. Therefore, it has been classified as a Variant of Uncertain Significance. Algorithms developed to predict the effect of missense changes on protein structure and function (SIFT, PolyPhen-2, Align-GVGD) all suggest that this variant is likely to be tolerated. This variant has not been reported in the literature in individuals affected with CIITA-related conditions. This variant is not present in population databases (gnomAD no frequency). This sequence change replaces leucine, which is neutral and non-polar, with proline, which is neutral and non-polar, at codon 836 of the CIITA protein (p.Leu836Pro).